The following is an entry in ClinVar:

ClinVar aggregate classification (germline): Conflicting classifications of pathogenicity. Review status: criteria provided, conflicting classifications (1 of 4 stars). 3 submissions from 3 submitters: Uncertain significance (1); Likely benign (2). Last evaluated 2020-05-20.

Conditions:
Inborn genetic diseases. Identifiers: MedGen C0950123, MeSH D030342.
Charcot-Marie-Tooth disease dominant intermediate B (CMTDIB). Also called: Charcot-Marie-Tooth disease dominant intermediate 1; CMT DI1; Charcot-Marie-Tooth disease dominant intermediate I; CHARCOT-MARIE-TOOTH NEUROPATHY, DOMINANT INTERMEDIATE B. Identifiers: Orphanet 100044, Orphanet 228179, MedGen C1847902, MONDO:0011674, OMIM 606482.

Allele frequency attached by ClinVar (database versions not stated): TOPMed below 0.00001; ExAC 0.00002.
gnomAD v4.1: 4 of 1,496,360 alleles (0.00027%); highest among the groups gnomAD compares: Non-Finnish European, 0.00036%; no homozygotes.

Submissions (3):

Labcorp Genetics (formerly Invitae), Labcorp
Classification: Likely benign for Charcot-Marie-Tooth disease dominant intermediate B. Last evaluated: 2020-05-20. Review status: criteria provided, single submitter. Criteria: Invitae Variant Classification Sherloc (09022015). Collection method: clinical testing. Allele origin: germline.

Ambry Genetics
Classification: Likely benign for Inborn genetic diseases. Last evaluated: 2019-07-11. Review status: criteria provided, single submitter. Criteria: Ambry Variant Classification Scheme 2023. Collection method: clinical testing. Allele origin: germline.

GeneDx
Classification: Uncertain significance. Last evaluated: 2017-12-06. Review status: criteria provided, single submitter. Criteria: GeneDx Variant Classification (06012015). Collection method: clinical testing. Allele origin: germline. Affected: yes.
Comment: A variant of uncertain significance has been identified in the DNM2 gene. The c.142 C>T variant has not been published as a pathogenic variant, nor has it been reported as a benign variant to our knowledge. This variant is not observed in large population cohorts (Lek et al., 2016). This substitution occurs at a position that is conserved across species. However, several in-silico splice prediction models predict the c.142 C>T variant does not affect splicing. In the absence of RNA/functional studies, the actual effect of this sequence change in this individual is unknown. Therefore, based on the currently available information, it is unclear whether this variant is a pathogenic variant or a rare benign variant.

NM_001005361.3(DNM2):c.142C>T (p.Leu48=)

Genes: DNM2 (dynamin 2; plus strand), LOC130063529 (ATAC-STARR-seq lymphoblastoid silent region 10090; plus strand). Cytogenetic location: 19p13.2.
Variant type: single nucleotide variant.
Coding change: c.142C>T on transcript NM_001005361.3 (MANE Select); coding-DNA position 142, C replaced by T.
Protein change: p.Leu48=; no amino-acid change (leucine 48 retained).
Molecular consequence: synonymous variant.
Genome position (GRCh38, 1-based): chr19:10,718,384, C>T. VCF-style: chr19-10718384-C-T. GRCh37 (hg19) VCF-style: chr19-10829060-C-T.
Other names: c.142C>T, p.Leu48= (NM_001005360.3, NM_001005362.3, NM_001190716.2 and 1 more transcripts).
Identifiers: ClinVar variation 489196 (VCV000489196.13), dbSNP rs753989925, ClinGen allele CA9200682.